The following is an entry in ClinVar:

ClinVar aggregate classification (germline): Uncertain significance (1 of 4 stars; one submission).

Conditions:
Holoprosencephaly sequence (HPE). Also called: Holoprosencephaly. Identifiers: Orphanet 2162, MedGen C0079541, MONDO:0016296, HP:0001360.

Allele frequency attached by ClinVar (database versions not stated): gnomAD 0.00001.

Submission:

Labcorp Genetics (formerly Invitae), Labcorp
Classification: Uncertain significance for Holoprosencephaly sequence. Last evaluated: 2023-07-31. Review status: criteria provided, single submitter. Criteria: Invitae Variant Classification Sherloc (09022015). Collection method: clinical testing. Allele origin: germline.
Comment: This variant is not present in population databases (gnomAD no frequency). This sequence change replaces arginine, which is basic and polar, with lysine, which is basic and polar, at codon 227 of the FOXH1 protein (p.Arg227Lys). This variant has not been reported in the literature in individuals affected with FOXH1-related conditions. In summary, the available evidence is currently insufficient to determine the role of this variant in disease. Therefore, it has been classified as a Variant of Uncertain Significance. Advanced modeling of protein sequence and biophysical properties (such as structural, functional, and spatial information, amino acid conservation, physicochemical variation, residue mobility, and thermodynamic stability) performed at Invitae indicates that this missense variant is not expected to disrupt FOXH1 protein function.

NM_003923.3(FOXH1):c.680G>A (p.Arg227Lys)

Gene: FOXH1 (forkhead box H1; minus strand). Cytogenetic location: 8q24.3.
Variant type: single nucleotide variant.
Coding change: c.680G>A on transcript NM_003923.3 (MANE Select); coding-DNA position 680, G replaced by A.
Protein change: p.Arg227Lys; replaces arginine 227 with lysine.
Molecular consequence: missense variant.
Genome position (GRCh38, 1-based): chr8:144,474,656, C>T on the plus strand (G>A on the coding strand, the complement: FOXH1 is on the minus strand). VCF-style: chr8-144474656-C-T. GRCh37 (hg19) VCF-style: chr8-145700039-C-T.
Other names: short protein forms R227K.
Identifiers: ClinVar variation 2878337 (VCV002878337.3), dbSNP rs1205177041, ClinGen allele CA372723955.